The following is an entry in ClinVar:

NM_001206927.2(DNAH8):c.9304G>T (p.Glu3102Ter)

Gene: DNAH8 (dynein axonemal heavy chain 8; plus strand). Cytogenetic location: 6p21.2.
Variant type: single nucleotide variant.
Coding change: c.9304G>T on transcript NM_001206927.2 (MANE Select); coding-DNA position 9304, G replaced by T.
Protein change: p.Glu3102Ter; replaces glutamic acid 3102 with a stop codon.
Molecular consequence: nonsense.
Genome position (GRCh38, 1-based): chr6:38,906,363, G>T. VCF-style: chr6-38906363-G-T. GRCh37 (hg19) VCF-style: chr6-38874139-G-T.
Other names: c.8653G>T, p.Glu2885Ter (NM_001371.4); short protein forms E3102*, E2885*.
Identifiers: ClinVar variation 580354 (VCV000580354.9), dbSNP rs1223799853, ClinGen allele CA364001472.

ClinVar aggregate classification (germline): Pathogenic (1 of 4 stars; one submission).

Conditions:
Primary ciliary dyskinesia. Also called: Ciliary dyskinesia. Identifiers: Orphanet 244, MedGen C0008780, MONDO:0016575, HP:0012265.

Allele frequency attached by ClinVar (database versions not stated): gnomAD 0.00001; gnomAD exomes 0.00001.
gnomAD v4.1: 8 of 1,610,744 alleles (0.0005%); highest among the groups gnomAD compares: East Asian, 0.018%; no homozygotes.

Submission:

Labcorp Genetics (formerly Invitae), Labcorp
Classification: Pathogenic for Primary ciliary dyskinesia. Last evaluated: 2019-02-22. Review status: criteria provided, single submitter. Criteria: Invitae Variant Classification Sherloc (09022015). Collection method: clinical testing. Allele origin: germline.
Comment: For these reasons, this variant has been classified as Pathogenic. Loss-of-function variants in DNAH8 are known to be pathogenic (PMID: 24307375). This variant has not been reported in the literature in individuals with DNAH8-related disease. This variant is not present in population databases (ExAC no frequency). This sequence change creates a premature translational stop signal (p.Glu3102*) in the DNAH8 gene. It is expected to result in an absent or disrupted protein product.

Literature cited by the submitters: PubMed 24307375.